The following is an entry in ClinVar:

ClinVar aggregate classification (germline): Uncertain significance (1 of 4 stars; one submission).

Conditions:
Developmental and epileptic encephalopathy, 9 (DEE9). Also called: Early infantile epileptic encephalopathy 9; EPILEPSY, FEMALE-RESTRICTED, WITH MENTAL RETARDATION; PCDH19-Related X-Linked Female-Limited Epilepsy with Mental Retardation; JUBERG-HELLMAN SYNDROME. Identifiers: Orphanet 101039, Orphanet 2076, MedGen C1848137, MONDO:0010246, OMIM 300088. Disease mechanism: loss of function.

Submission:

Labcorp Genetics (formerly Invitae), Labcorp
Classification: Uncertain significance for Developmental and epileptic encephalopathy, 9. Last evaluated: 2022-05-11. Review status: criteria provided, single submitter. Criteria: Invitae Variant Classification Sherloc (09022015). Collection method: clinical testing. Allele origin: germline.
Comment: In summary, the available evidence is currently insufficient to determine the role of this variant in disease. Therefore, it has been classified as a Variant of Uncertain Significance. Advanced modeling of protein sequence and biophysical properties (such as structural, functional, and spatial information, amino acid conservation, physicochemical variation, residue mobility, and thermodynamic stability) performed at Invitae indicates that this missense variant is expected to disrupt PCDH19 protein function. This variant has not been reported in the literature in individuals affected with PCDH19-related conditions. This variant is not present in population databases (gnomAD no frequency). This sequence change replaces arginine, which is basic and polar, with cysteine, which is neutral and slightly polar, at codon 147 of the PCDH19 protein (p.Arg147Cys).

NM_001184880.2(PCDH19):c.439C>T (p.Arg147Cys)

Gene: PCDH19 (protocadherin 19; minus strand). Cytogenetic location: Xq22.1.
Variant type: single nucleotide variant.
Coding change: c.439C>T on transcript NM_001184880.2 (MANE Select); coding-DNA position 439, C replaced by T.
Protein change: p.Arg147Cys; replaces arginine 147 with cysteine.
Molecular consequence: missense variant.
Genome position (GRCh38, 1-based): chrX:100,408,159, G>A on the plus strand (C>T on the coding strand, the complement: PCDH19 is on the minus strand). VCF-style: chrX-100408159-G-A. GRCh37 (hg19) VCF-style: chrX-99663157-G-A.
Other names: c.439C>T, p.Arg147Cys (NM_001105243.2, NM_020766.3); short protein forms R147C.
Identifiers: ClinVar variation 1993004 (VCV001993004.4), dbSNP rs2520994536, ClinGen allele CA414009696.